The following is an entry in ClinVar:

NM_177438.3(DICER1):c.764T>C (p.Val255Ala)

Gene: DICER1 (dicer 1, ribonuclease III; minus strand). Cytogenetic location: 14q32.13.
Variant type: single nucleotide variant.
Coding change: c.764T>C on transcript NM_177438.3 (MANE Select); coding-DNA position 764, T replaced by C.
Protein change: p.Val255Ala; replaces valine 255 with alanine.
Molecular consequence: missense variant. On other transcripts: 5 prime UTR variant (1), non-coding transcript variant (6).
Genome position (GRCh38, 1-based): chr14:95,126,719, A>G on the plus strand (T>C on the coding strand, the complement: DICER1 is on the minus strand). VCF-style: chr14-95126719-A-G. GRCh37 (hg19) VCF-style: chr14-95593056-A-G.
Other names: c.764T>C, p.Val255Ala (NM_001195573.1, NM_001271282.3, NM_001291628.2 and 15 more transcripts); c.482T>C, p.Val161Ala (NM_001395686.1); c.359T>C, p.Val120Ala (NM_001395687.1, NM_001395688.1, NM_001395689.1 and 3 more transcripts); c.197T>C, p.Val66Ala (NM_001395691.1); c.-805T>C (NM_001395697.1); short protein forms V120A, V255A, V161A, V66A.
Identifiers: ClinVar variation 2825604 (VCV002825604.3), dbSNP rs2543231551, ClinGen allele CA390887872.
Genomic context (GRCh38, chr14:95,126,719, plus strand): 5'-TCTAATTCCATCAGCAGTCTTTCATAAAGCCCACTTCTGTCAGTAAATGGTCCACAATCC[A>G]CCACAATCTCACATGGCTGAGAAGTATACCTTTAACATAAGAAACAAAAGGTATCAATAC-3'
Protein context (NP_803187.1, residues 245-265): RYTSQPCEIV[Val255Ala]DCGPFTDRSG

ClinVar aggregate classification (germline): Uncertain significance (1 of 4 stars; one submission).

Conditions:
DICER1-related tumor predisposition. Also called: DICER1-related pleuropulmonary blastoma cancer predisposition syndrome; DICER1 syndrome. Identifiers: Orphanet 284343, MedGen C3839822, MONDO:0100216.

Submission:

Labcorp Genetics (formerly Invitae), Labcorp
Classification: Uncertain significance for DICER1-related tumor predisposition. Last evaluated: 2022-12-31. Review status: criteria provided, single submitter. Criteria: Invitae Variant Classification Sherloc (09022015). Collection method: clinical testing. Allele origin: germline.
Comment: In summary, the available evidence is currently insufficient to determine the role of this variant in disease. Therefore, it has been classified as a Variant of Uncertain Significance. Advanced modeling of protein sequence and biophysical properties (such as structural, functional, and spatial information, amino acid conservation, physicochemical variation, residue mobility, and thermodynamic stability) performed at Invitae indicates that this missense variant is not expected to disrupt DICER1 protein function. This variant has not been reported in the literature in individuals affected with DICER1-related conditions. This variant is not present in population databases (gnomAD no frequency). This sequence change replaces valine, which is neutral and non-polar, with alanine, which is neutral and non-polar, at codon 255 of the DICER1 protein (p.Val255Ala).